The following is an entry in ClinVar:

ClinVar aggregate classification (germline): Likely benign (1 of 4 stars; one submission).

Allele frequency attached by ClinVar (database versions not stated): 1000 Genomes Project 0.00379; 1000 Genomes Project 30x 0.00390; gnomAD 0.00429 and 0.00461; TOPMed 0.00490.
gnomAD v4.1: 649 of 152,312 alleles (0.43%); highest among the groups gnomAD compares: African/African-American, 1.5%; 7 homozygotes.

Submission:

GeneDx
Classification: Likely benign. Last evaluated: 2018-06-19. Review status: criteria provided, single submitter. Criteria: GeneDx Variant Classification (06012015). Collection method: clinical testing. Allele origin: germline. Affected: yes.
Comment: This variant is considered likely benign or benign based on one or more of the following criteria: it is a conservative change, it occurs at a poorly conserved position in the protein, it is predicted to be benign by multiple in silico algorithms, and/or has population frequency not consistent with disease.

NM_000257.4(MYH7):c.3973-176C>T

Gene: MYH7 (myosin heavy chain 7; minus strand). Cytogenetic location: 14q11.2.
Variant type: single nucleotide variant.
Coding change: c.3973-176C>T on transcript NM_000257.4 (MANE Select); 176 bases into the intron before coding-DNA position 3973, C replaced by T.
Molecular consequence: intron variant.
Genome position (GRCh38, 1-based): chr14:23,418,582, G>A on the plus strand (C>T on the coding strand, the complement: MYH7 is on the minus strand). VCF-style: chr14-23418582-G-A. GRCh37 (hg19) VCF-style: chr14-23887791-G-A.
Identifiers: ClinVar variation 675555 (VCV000675555.1), dbSNP rs145971261, ClinGen allele CA257814134.
Genomic context (GRCh38, chr14:23,418,582, plus strand): 5'-ACCCCCAGTGGACCTGTCATGGTTTACTGTTTGCTGATAACAAAGAATGCCAATACAGCA[G>A]TGAACTATTTAAGAAAAGCTTCATGGCCATTGGCCCTGAGCTCCTCCCCACACCAGACAT-3'